The following is an entry in ClinVar:

ClinVar aggregate classification (germline): Uncertain significance (1 of 4 stars; one submission).

gnomAD v4.1: 1 of 1,614,172 alleles (0.000062%); highest among the groups gnomAD compares: African/African-American, 0.0013%; no homozygotes.

Submission:

GeneDx
Classification: Uncertain significance. Last evaluated: 2023-12-27. Review status: criteria provided, single submitter. Criteria: GeneDx Variant Classification Process June 2021. Collection method: clinical testing. Allele origin: germline. Affected: yes.
Comment: Not observed at significant frequency in large population cohorts (gnomAD); In silico analysis supports that this missense variant does not alter protein structure/function; Has not been previously published as pathogenic or benign to our knowledge

NM_014165.4(NDUFAF4):c.55G>A (p.Glu19Lys)

Genes: NDUFAF4 (NADH:ubiquinone oxidoreductase complex assembly factor 4; minus strand), LOC129996857 (ATAC-STARR-seq lymphoblastoid active region 24846; plus strand). Cytogenetic location: 6q16.1.
Variant type: single nucleotide variant.
Coding change: c.55G>A on transcript NM_014165.4 (MANE Select); coding-DNA position 55, G replaced by A.
Protein change: p.Glu19Lys; replaces glutamic acid 19 with lysine.
Molecular consequence: missense variant.
Genome position (GRCh38, 1-based): chr6:96,897,747, C>T on the plus strand (G>A on the coding strand, the complement: NDUFAF4 is on the minus strand). VCF-style: chr6-96897747-C-T. GRCh37 (hg19) VCF-style: chr6-97345623-C-T.
Other names: short protein forms E19K.
Identifiers: ClinVar variation 3370076 (VCV003370076.1).